The following is an entry in ClinVar:

NM_001065.4(TNFRSF1A):c.1327G>C (p.Gly443Arg)

Gene: TNFRSF1A (TNF receptor superfamily member 1A; minus strand). Cytogenetic location: 12p13.31.
Variant type: single nucleotide variant.
Coding change: c.1327G>C on transcript NM_001065.4 (MANE Select); coding-DNA position 1327, G replaced by C.
Protein change: p.Gly443Arg; replaces glycine 443 with arginine.
Molecular consequence: missense variant. On other transcripts: non-coding transcript variant (1).
Genome position (GRCh38, 1-based): chr12:6,329,353, C>G on the plus strand (G>C on the coding strand, the complement: TNFRSF1A is on the minus strand). VCF-style: chr12-6329353-C-G. GRCh37 (hg19) VCF-style: chr12-6438519-C-G.
Other names: c.1003G>C, p.Gly335Arg (NM_001346091.2); c.868G>C, p.Gly290Arg (NM_001346092.2); short protein forms G290R, G335R, G443R.
Identifiers: ClinVar variation 3622662 (VCV003622662.3).

ClinVar aggregate classification (germline): Uncertain significance. Review status: criteria provided, multiple submitters, no conflicts (2 of 4 stars). 2 submissions from 2 submitters: Uncertain significance (2). Last evaluated 2025-10-28.

Conditions:
TNF receptor-associated periodic fever syndrome (TRAPS) (FPF). Also called: FAMILIAL HIBERNIAN FEVER; TNF RECEPTOR-ASSOCIATED PERIODIC SYNDROME; TUMOR NECROSIS FACTOR RECEPTOR-ASSOCIATED PERIODIC SYNDROME; Autosomal Dominant Familial Periodic Fever; TNF Receptor-Associated Periodic Fever Syndrome; TNF receptor 1-associated periodic fever syndrome. Identifiers: Orphanet 32960, MedGen C1275126, MONDO:0007727, OMIM 142680.
Inborn genetic diseases. Identifiers: MedGen C0950123, MeSH D030342.

gnomAD v4.1: 2 of 1,485,226 alleles (0.00013%); highest among the groups gnomAD compares: Admixed American, 0.0023%; no homozygotes.

Submissions (2):

Ambry Genetics
Classification: Uncertain significance for Inborn genetic diseases. Last evaluated: 2025-10-28. Review status: criteria provided, single submitter. Criteria: Ambry Variant Classification Scheme 2023. Collection method: clinical testing. Allele origin: germline.

Labcorp Genetics (formerly Invitae), Labcorp
Classification: Uncertain significance for TNF receptor-associated periodic fever syndrome (TRAPS). Last evaluated: 2025-04-23. Review status: criteria provided, single submitter. Criteria: Invitae Variant Classification Sherloc (09022015). Collection method: clinical testing. Allele origin: germline.
Comment: This sequence change replaces glycine, which is neutral and non-polar, with arginine, which is basic and polar, at codon 443 of the TNFRSF1A protein (p.Gly443Arg). This variant is present in population databases (no rsID available, gnomAD 0.006%). This variant has not been reported in the literature in individuals affected with TNFRSF1A-related conditions. ClinVar contains an entry for this variant (Variation ID: 3622662). Invitae Evidence Modeling of protein sequence and biophysical properties (such as structural, functional, and spatial information, amino acid conservation, physicochemical variation, residue mobility, and thermodynamic stability) has been performed for this missense variant. However, the output from this modeling did not meet the statistical confidence thresholds required to predict the impact of this variant on TNFRSF1A protein function. In summary, the available evidence is currently insufficient to determine the role of this variant in disease. Therefore, it has been classified as a Variant of Uncertain Significance.